The following is an entry in ClinVar:

NM_177438.3(DICER1):c.602G>T (p.Arg201Leu)

Gene: DICER1 (dicer 1, ribonuclease III; minus strand). Cytogenetic location: 14q32.13.
Variant type: single nucleotide variant.
Coding change: c.602G>T on transcript NM_177438.3 (MANE Select); coding-DNA position 602, G replaced by T.
Protein change: p.Arg201Leu; replaces arginine 201 with leucine.
Molecular consequence: missense variant.
Genome position (GRCh38, 1-based): chr14:95,129,604, C>A on the plus strand (G>T on the coding strand, the complement: DICER1 is on the minus strand). VCF-style: chr14-95129604-C-A. GRCh37 (hg19) VCF-style: chr14-95595941-C-A.
Other names: c.602G>T, p.Arg201Leu (NM_001195573.1, NM_001271282.3, NM_001291628.2 and 1 more transcripts); short protein forms R201L.
Identifiers: ClinVar variation 1386802 (VCV001386802.12), dbSNP rs749484792, ClinGen allele CA390888249.

ClinVar aggregate classification (germline): Uncertain significance. Review status: criteria provided, multiple submitters, no conflicts (2 of 4 stars). 2 submissions from 2 submitters: Uncertain significance (2). Last evaluated 2025-01-02.

Conditions:
Hereditary cancer-predisposing syndrome. Also called: Tumor predisposition; Hereditary neoplastic syndrome; Neoplastic Syndromes, Hereditary; Hereditary Cancer Syndrome. Identifiers: Orphanet 140162, MedGen C0027672, MeSH D009386, MONDO:0015356.
DICER1-related tumor predisposition. Also called: DICER1 syndrome; DICER1-related pleuropulmonary blastoma cancer predisposition syndrome. Identifiers: Orphanet 284343, MedGen C3839822, MONDO:0100216.

Submissions (2):

Ambry Genetics
Classification: Uncertain significance for Hereditary cancer-predisposing syndrome. Last evaluated: 2025-01-02. Review status: criteria provided, single submitter. Criteria: Ambry Variant Classification Scheme 2023. Collection method: clinical testing. Allele origin: germline.
Comment: The p.R201L variant (also known as c.602G>T), located in coding exon 5 of the DICER1 gene, results from a G to T substitution at nucleotide position 602. The arginine at codon 201 is replaced by leucine, an amino acid with dissimilar properties. This amino acid position is highly conserved in available vertebrate species. In addition, this alteration is predicted to be deleterious by in silico analysis. Based on the available evidence, the clinical significance of this variant remains unclear.

Labcorp Genetics (formerly Invitae), Labcorp
Classification: Uncertain significance for DICER1-related tumor predisposition. Last evaluated: 2024-12-29. Review status: criteria provided, single submitter. Criteria: Invitae Variant Classification Sherloc (09022015). Collection method: clinical testing. Allele origin: germline.
Comment: This sequence change replaces arginine, which is basic and polar, with leucine, which is neutral and non-polar, at codon 201 of the DICER1 protein (p.Arg201Leu). This variant is not present in population databases (gnomAD no frequency). This variant has not been reported in the literature in individuals affected with DICER1-related conditions. ClinVar contains an entry for this variant (Variation ID: 1386802). Invitae Evidence Modeling of protein sequence and biophysical properties (such as structural, functional, and spatial information, amino acid conservation, physicochemical variation, residue mobility, and thermodynamic stability) indicates that this missense variant is not expected to disrupt DICER1 protein function with a negative predictive value of 95%. RNA analysis performed to evaluate the impact of this missense change on mRNA splicing indicates it does not significantly alter splicing (internal data). In summary, the available evidence is currently insufficient to determine the role of this variant in disease. Therefore, it has been classified as a Variant of Uncertain Significance.